The following is an entry in ClinVar:

NM_000193.4(SHH):c.*2697C>T

Gene: SHH (sonic hedgehog signaling molecule; minus strand). Cytogenetic location: 7q36.3.
Variant type: single nucleotide variant.
Coding change: c.*2697C>T on transcript NM_000193.4 (MANE Select); 2697 bases downstream of the stop codon, C replaced by T.
Molecular consequence: 3 prime UTR variant. On other transcripts: missense variant (1), non-coding transcript variant (2).
Genome position (GRCh38, 1-based): chr7:155,800,203, G>A on the plus strand (C>T on the coding strand, the complement: SHH is on the minus strand). VCF-style: chr7-155800203-G-A. GRCh37 (hg19) VCF-style: chr7-155592897-G-A.
Other names: c.344C>T, p.Ala115Val (NM_001310462.2); short protein forms A115V.
Identifiers: ClinVar variation 4986868 (VCV004986868.1).
Genomic context (GRCh38, chr7:155,800,203, plus strand): 5'-TCAACCCTGAATGAGAAGTCGGCGCCTCGTCCTGGCGGGGCTGGGCTGCACCCTCTTGAT[G>A]CCCTGTACCTAGTGTCTCTAAGCAGTGGTTTCCTTTCCTTGCCTGTGAAAAAGAGAATTT-3'

ClinVar aggregate classification (germline): Uncertain significance (1 of 4 stars; one submission).

Conditions:
SHH-related disorder. Also called: SHH-related condition; SHH-related disorders.

Submission:

PreventionGenetics, part of Exact Sciences
Classification: Uncertain significance for SHH-related condition. Last evaluated: 2026-09-04. Review status: criteria provided, single submitter. Criteria: ACMG Guidelines, 2015. Collection method: clinical testing. Allele origin: germline.
Comment: The SHH c.344C>T variant is predicted to result in the amino acid substitution p.Ala115Val. To our knowledge, this variant has not been reported in the literature. This variant is reported in 0.049% of alleles in individuals of East Asian descent in gnomAD. At this time, the clinical significance of this variant is uncertain due to the absence of conclusive functional and genetic evidence.